The following is an entry in ClinVar:

ClinVar aggregate classification (germline): Benign. Review status: criteria provided, single submitter (1 of 4 stars). 2 submissions from 2 submitters: Benign (1). 1 of the submissions does not count toward it. Last evaluated 2026-01-22.

Conditions:
DUOX2-related disorder. Also called: DUOX2-related condition.

Allele frequency attached by ClinVar (database versions not stated): gnomAD exomes 0.00015 and 0.00048; ExAC 0.00064; gnomAD 0.00174 and 0.00179; TOPMed 0.00198; ESP Exome Variant Server 0.00223; 1000 Genomes Project 0.00319; 1000 Genomes Project 30x 0.00375.
gnomAD v4.1: 489 of 1,614,094 alleles (0.03%); highest among the groups gnomAD compares: African/African-American, 0.57%; 2 homozygotes.

Submissions (2):

Labcorp Genetics (formerly Invitae), Labcorp
Classification: Benign. Last evaluated: 2026-01-22. Review status: criteria provided, single submitter. Criteria: Invitae Variant Classification Sherloc (09022015). Collection method: clinical testing. Allele origin: germline.

PreventionGenetics, part of Exact Sciences
Classification: Likely benign for DUOX2-related condition. Last evaluated: 2024-04-22. Review status: no assertion criteria provided. Collection method: clinical testing. Allele origin: germline. Not counted in ClinVar's aggregate classification.
Comment: This variant is classified as likely benign based on ACMG/AMP sequence variant interpretation guidelines (Richards et al. 2015 PMID: 25741868, with internal and published modifications).

NM_001363711.2(DUOX2):c.1095A>G (p.Gln365=)

Gene: DUOX2 (dual oxidase 2; minus strand). Cytogenetic location: 15q21.1.
Variant type: single nucleotide variant.
Coding change: c.1095A>G on transcript NM_001363711.2 (MANE Select); coding-DNA position 1095, A replaced by G.
Protein change: p.Gln365=; no amino-acid change (glutamine 365 retained).
Molecular consequence: synonymous variant.
Genome position (GRCh38, 1-based): chr15:45,109,926, T>C on the plus strand (A>G on the coding strand, the complement: DUOX2 is on the minus strand). VCF-style: chr15-45109926-T-C. GRCh37 (hg19) VCF-style: chr15-45402124-T-C.
Other names: c.1095A>G, p.Gln365= (NM_014080.5).
Identifiers: ClinVar variation 720723 (VCV000720723.11), dbSNP rs76985372, ClinGen allele CA7538750.